The following is an entry in ClinVar:

NM_000094.4(COL7A1):c.8219G>C (p.Gly2740Ala)

Gene: COL7A1 (collagen type VII alpha 1 chain; minus strand). Cytogenetic location: 3p21.31.
Variant type: single nucleotide variant.
Coding change: c.8219G>C on transcript NM_000094.4 (MANE Select); coding-DNA position 8219, G replaced by C.
Protein change: p.Gly2740Ala; replaces glycine 2740 with alanine.
Molecular consequence: missense variant.
Genome position (GRCh38, 1-based): chr3:48,566,914, C>G on the plus strand (G>C on the coding strand, the complement: COL7A1 is on the minus strand). VCF-style: chr3-48566914-C-G. GRCh37 (hg19) VCF-style: chr3-48604347-C-G.
Other names: short protein forms G2740A.
Identifiers: ClinVar variation 1393079 (VCV001393079.29), dbSNP rs745691610, ClinGen allele CA352639340.
Genomic context (GRCh38, chr3:48,566,914, plus strand): 5'-TTGGAAGGGTAGGGAAGGTTCAGGGATCAGGAGTCAGAGCTGGGGCCCCTTACCTTCTGG[C>G]CCTGAAGTCCTTCGGGGCCTCTGGGACCAACACTGCCAGGTGGCCCTGGGGGACCAGCAG-3'
Protein context (NP_000085.1, residues 2730-2750): VGPRGPEGLQ[Gly2740Ala]QKGERGPPGE

ClinVar aggregate classification (germline): Pathogenic/Likely pathogenic. Review status: criteria provided, multiple submitters, no conflicts (2 of 4 stars). 5 submissions from 5 submitters: Pathogenic (4); Likely pathogenic (1). Last evaluated 2025-09-08.

Conditions:
Epidermolysis bullosa dystrophica. Also called: Dystrophic epidermolysis bullosa, Hallopeau-Siemens type (formerly); Dystrophic epidermolysis bullosa. Identifiers: Orphanet 303, MedGen C0079294, MONDO:0006543.
Recessive dystrophic epidermolysis bullosa (RDEB). Also called: Hallopeau-Siemens Disease; epidermolysis bullosa dystrophica, autosomal recessive; DYSTROPHIC EPIDERMOLYSIS BULLOSA, AUTOSOMAL RECESSIVE; EPIDERMOLYSIS BULLOSA DYSTROPHICA, HALLOPEAU-SIEMENS TYPE; Recessive DEB (RDEB); EPIDERMOLYSIS BULLOSA DYSTROPHICA, GENERALIZED SEVERE, AUTOSOMAL RECESSIVE. Identifiers: Orphanet 79408, Orphanet 79409, MedGen C0079474, MONDO:0009179, OMIM 226600.
Transient bullous dermolysis of the newborn (TBDN). Also called: EPIDERMOLYSIS BULLOSA DYSTROPHICA, NEONATAL FORM; DYSTROPHIC EPIDERMOLYSIS BULLOSA, NEONATAL. Identifiers: Orphanet 79411, MedGen C1851573, MONDO:0007548, OMIM 131705.
Nonsyndromic congenital nail disorder 8. Also called: TOENAIL DYSTROPHY, ISOLATED. Identifiers: MedGen C1843761, MONDO:0011852, OMIM 607523.
Generalized dominant dystrophic epidermolysis bullosa (DDEB). Also called: DDEB, generalized; DDEB-gen; Dominant DEB (DDEB); DYSTROPHIC EPIDERMOLYSIS BULLOSA, AUTOSOMAL DOMINANT; Epidermolysis bullosa dystrophica, autosomal dominant. Identifiers: Orphanet 231568, MedGen C0432322, MONDO:0007549, OMIM 131750.
Epidermolysis bullosa pruriginosa. Also called: DEB, PRURIGINOSA; DYSTROPHIC EPIDERMOLYSIS BULLOSA PRURIGINOSA. Identifiers: Orphanet 89843, MedGen C1275114, MONDO:0011398, OMIM 604129.
Pretibial dystrophic epidermolysis bullosa. Also called: Pretibial epidermolysis bullosa; Pretibial blistering; EPIDERMOLYSIS BULLOSA DYSTROPHICA, PRETIBIAL. Identifiers: Orphanet 79410, MedGen C0432321, MONDO:0007552, OMIM 131850, HP:0012221.
Dominant dystrophic epidermolysis bullosa with absence of skin. Also called: EPIDERMOLYSIS BULLOSA DYSTROPHICA, BART TYPE; EPIDERMOLYSIS BULLOSA WITH CONGENITAL LOCALIZED ABSENCE OF SKIN AND DEFORMITY OF NAILS. Identifiers: MedGen C0268371, MONDO:0007557, OMIM 132000.

gnomAD v4.1: 23 of 1,603,410 alleles (0.0014%); highest among the groups gnomAD compares: Non-Finnish European, 0.002%; no homozygotes.

Submissions (5):

Natera, Inc.
Classification: Likely pathogenic for Dystrophic epidermolysis bullosa. Last evaluated: 2025-09-08. Review status: criteria provided, single submitter. Criteria: Natera Variant Classification Schema (03/2026). Collection method: clinical testing. Allele origin: germline.
Comment: The c.8219G>C variant in COL7A1 is a missense variant predicted to cause substitution of glycine to alanine at amino acid 2740. This variant is rare in the general population with a frequency below the threshold expected for the associated phenotype(s). This variant has been identified in one or more affected individual with a phenotype highly consistent with the associated gene (PMID: 10504458). Computational prediction algorithms indicate this variant is likely to affect gene or protein function. Given the available evidence, this variant is classified as Likely Pathogenic.

Myriad Genetics, Inc.
Classification: Pathogenic for Recessive dystrophic epidermolysis bullosa. Last evaluated: 2025-08-01. Review status: criteria provided, single submitter. Criteria: Myriad Autosomal Dominant, Autosomal Recessive and X-Linked Classification Criteria (2023). Collection method: clinical testing. Allele origin: unknown.
Comment: NM_000094.3(COL7A1):c.8219G>C(G2740A) is a missense variant classified as pathogenic in the context of dystrophic epidermolysis bullosa. G2740A has been observed in cases with relevant disease (PMID: 10504458, 35979658). Relevant functional assessments of this variant are not available in the literature. Internal structural analysis of the variant is supportive of pathogenicity. G2740A has not been observed in referenced population frequency databases. In summary, NM_000094.3(COL7A1):c.8219G>C(G2740A) is a missense variant that has internal structural support for pathogenicity and has been observed more frequently in cases with the relevant disease than in healthy populations. Please note: this variant was assessed in the context of healthy population screening.

Labcorp Genetics (formerly Invitae), Labcorp
Classification: Pathogenic. Last evaluated: 2025-06-24. Review status: criteria provided, single submitter. Criteria: Invitae Variant Classification Sherloc (09022015). Collection method: clinical testing. Allele origin: germline.
Comment: This sequence change replaces glycine, which is neutral and non-polar, with alanine, which is neutral and non-polar, at codon 2740 of the COL7A1 protein (p.Gly2740Ala). This variant is not present in population databases (gnomAD no frequency). This missense change has been observed in individual(s) with autosomal recessive dystrophic epidermolysis bullosa (PMID: 10504458, 35979658). ClinVar contains an entry for this variant (Variation ID: 1393079). Invitae Evidence Modeling of protein sequence and biophysical properties (such as structural, functional, and spatial information, amino acid conservation, physicochemical variation, residue mobility, and thermodynamic stability) indicates that this missense variant is expected to disrupt COL7A1 protein function with a positive predictive value of 95%. This variant disrupts the triple helix domain of COL7A1. Glycine residues within the Gly-Xaa-Yaa repeats of the triple helix domain are required for the structure and stability of fibrillar collagens (PMID: 7695699, 8218237, 19344236), and variants at these glycine residues in COL7A1 are more frequently observed in individuals with disease than in the general population (PMID: 22058051). However, the clinical significance of this observation remains uncertain since only a limited number of affected individuals have been described to date. For these reasons, this variant has been classified as Pathogenic.

Fulgent Genetics
Classification: Pathogenic for Transient bullous dermolysis of the newborn; Generalized dominant dystrophic epidermolysis bullosa; Pretibial dystrophic epidermolysis bullosa; Dominant dystrophic epidermolysis bullosa with absence of skin; Recessive dystrophic epidermolysis bullosa; Epidermolysis bullosa pruriginosa; Nonsyndromic congenital nail disorder 8. Last evaluated: 2024-01-05. Review status: criteria provided, single submitter. Criteria: ACMG Guidelines, 2015. Collection method: clinical testing. Allele origin: germline.

Center for Research in Genodermatoses and Epidermolysis Bullosa, University of Buenos Aires
Classification: Pathogenic for Recessive dystrophic epidermolysis bullosa. Last evaluated: 2022-03-14. Review status: criteria provided, single submitter. Criteria: ACMG Guidelines, 2015. Collection method: clinical testing. Allele origin: germline. Affected: yes. Observed: 1 variant allele, 1 homozygote.

Literature cited by the submitters: PubMed 10504458 (cited by 4 submitters); PubMed 35979658 (cited by 3 submitters); PubMed 7695699 (cited by Labcorp Genetics (formerly Invitae), Labcorp); PubMed 8218237 (cited by Labcorp Genetics (formerly Invitae), Labcorp); PubMed 19344236 (cited by Labcorp Genetics (formerly Invitae), Labcorp); PubMed 22058051 (cited by Labcorp Genetics (formerly Invitae), Labcorp).